The following is an entry in ClinVar:

GRCh38/hg38 4p16.3-q12(chr4:85624-57073230)x3

Genes: LRPAP1 (LDL receptor related protein associated protein 1; minus strand), LRRC66 (leucine rich repeat containing 66; minus strand), LYAR (Ly1 antibody reactive; minus strand), MAEA (macrophage erythroblast attacher, E3 ubiquitin ligase; plus strand), MAN2B2 (mannosidase alpha class 2B member 2; plus strand) and 1437 more. Cytogenetic location: 4p16.3-q12.
Variant type: copy number gain.
Change: copy number 3 (three copies instead of two) of chr4:85,624-57,073,230 (56.99 Mb, GRCh38 coordinates, 1-based), cytogenetic band 4p16.3-q12.
Identifiers: ClinVar variation 2579174 (VCV002579174.1).

ClinVar aggregate classification (germline): Pathogenic (1 of 4 stars; one submission).

Conditions:
Neurodevelopmental disorder. Identifiers: MedGen C1535926, MeSH D065886, MONDO:0700092.

Submission:

Broad Center for Mendelian Genomics, Broad Institute of MIT and Harvard
Classification: Pathogenic for Neurodevelopmental disorder. Last evaluated: 2023-08-24. Review status: criteria provided, single submitter. Criteria: ACMG/ClinGen CNV Guidelines, 2019. Collection method: research. Allele origin: unknown. Inheritance: Autosomal dominant inheritance. Affected: yes.
Comment: These breakpoints have been estimated by exome sequencing only and therefore may not reflect the true breakpoints. Inheritance information is unavailable. The patient phenotype is nonspecific, but is consistent with cases described in the literature and/or published databases with overlapping variants. There are no known triplosensitive genes contained within the duplicated region, but a triplosensitivity predictor suggests that multiple genes (PHOX2B, POLR2B, CTBP1, NKX1-1, HTT, RBPJ, PDS5A, RGS12) included in this duplication are triplosensitive. In summary, the 4p16.3-q12 duplication meets criteria to be classified as pathogenic. The ACMG/ClinGen evidence codes and points used in this curation are as follows: 1: 0 points, 2: 0 points, 3: 0.90 points, 4-5: 0.10 points; Total: 1.00 points; Riggs 2020 (PMID: 31690835).